The following is an entry in ClinVar:

ClinVar aggregate classification (germline): Conflicting classifications of pathogenicity. Review status: criteria provided, conflicting classifications (1 of 4 stars). 5 submissions from 4 submitters: Uncertain significance (4); Benign (1). Last evaluated 2026-01-16.

Conditions:
Inborn genetic diseases. Identifiers: MedGen C0950123, MeSH D030342.
Hereditary spherocytosis type 1. Also called: Spherocytosis type 1; ANK1-Related Spherocytosis. Identifiers: Orphanet 822, MedGen C2674218, MONDO:0008447, OMIM 182900.
Spherocytosis. Identifiers: MedGen C0553720, HP:0004444.

Allele frequency attached by ClinVar (database versions not stated): gnomAD 0.00033 and 0.00038; ExAC 0.00037; TOPMed 0.00040; ESP Exome Variant Server 0.00046; gnomAD exomes 0.00046 and 0.00055.
gnomAD v4.1: 738 of 1,614,136 alleles (0.046%); highest among the groups gnomAD compares: Non-Finnish European, 0.033%; 1 homozygote.

Submissions (5):

Labcorp Genetics (formerly Invitae), Labcorp
Classification: Benign. Last evaluated: 2026-01-16. Review status: criteria provided, single submitter. Criteria: Invitae Variant Classification Sherloc (09022015). Collection method: clinical testing. Allele origin: germline.

Mayo Clinic Laboratories, Mayo Clinic
Classification: Uncertain significance. Last evaluated: 2025-04-24. Review status: criteria provided, single submitter. Criteria: ACMG Guidelines, 2015. Collection method: clinical testing. Allele origin: germline. Observed: 2 variant alleles.
Comment: PP3_moderate

Ambry Genetics
Classification: Uncertain significance for Inborn genetic diseases. Last evaluated: 2021-12-21. Review status: criteria provided, single submitter. Criteria: Ambry Variant Classification Scheme 2023. Collection method: clinical testing. Allele origin: germline.

Illumina Laboratory Services, Illumina
Classification: Uncertain significance for Hereditary spherocytosis type 1. Last evaluated: 2018-01-13. Review status: criteria provided, single submitter. Criteria: ICSL Variant Classification Criteria 13 December 2019. Collection method: clinical testing. Allele origin: germline.

Illumina Laboratory Services, Illumina
Classification: Uncertain significance for Spherocytosis. Last evaluated: 2018-01-13. Review status: criteria provided, single submitter. Criteria: ICSL Variant Classification Criteria 13 December 2019. Collection method: clinical testing. Allele origin: germline.

NM_000037.4(ANK1):c.1337G>C (p.Arg446Thr)

Gene: ANK1 (ankyrin 1; minus strand). Cytogenetic location: 8p11.21.
Variant type: single nucleotide variant.
Coding change: c.1337G>C on transcript NM_000037.4 (MANE Select); coding-DNA position 1337, G replaced by C.
Protein change: p.Arg446Thr; replaces arginine 446 with threonine.
Molecular consequence: missense variant.
Genome position (GRCh38, 1-based): chr8:41,717,020, C>G on the plus strand (G>C on the coding strand, the complement: ANK1 is on the minus strand). VCF-style: chr8-41717020-C-G. GRCh37 (hg19) VCF-style: chr8-41574538-C-G.
Other names: p.Arg446Thr; c.1436G>C, p.Arg479Thr (NM_001142446.2); c.1337G>C, p.Arg446Thr (NM_020475.3, NM_020476.3, NM_020477.3); short protein forms R446T, R479T.
Identifiers: ClinVar variation 363032 (VCV000363032.14), dbSNP rs142010751, ClinGen allele CA4728649.
Genomic context (GRCh38, chr8:41,717,020, plus strand): 5'-TTGGCATTGACTTTGGCTTTGTTCTGGAGTAAATATTTGGCCACTTCCGTGTGCCCGGCT[C>G]TGGCTGCCATGTGTAGCGGGGTCTCCACTTTCTATAAAATAACAAAATTATAGAACTGTT-3'
Protein context (NP_000028.3, residues 436-456): KVETPLHMAA[Arg446Thr]AGHTEVAKYL